The following is an entry in ClinVar:

NM_025099.6(CTC1):c.3197C>G (p.Thr1066Arg)

Gene: CTC1 (CST telomere replication complex component 1; minus strand). Cytogenetic location: 17p13.1.
Variant type: single nucleotide variant.
Coding change: c.3197C>G on transcript NM_025099.6 (MANE Select); coding-DNA position 3197, C replaced by G.
Protein change: p.Thr1066Arg; replaces threonine 1066 with arginine.
Molecular consequence: missense variant.
Genome position (GRCh38, 1-based): chr17:8,229,166, G>C on the plus strand (C>G on the coding strand, the complement: CTC1 is on the minus strand). VCF-style: chr17-8229166-G-C. GRCh37 (hg19) VCF-style: chr17-8132484-G-C.
Other names: short protein forms T1066R.
Identifiers: ClinVar variation 1512790 (VCV001512790.8), dbSNP rs767106179, ClinGen allele CA8371848.

ClinVar aggregate classification (germline): Uncertain significance (1 of 4 stars; one submission).

Conditions:
Dyskeratosis congenita. Identifiers: Orphanet 1775, MedGen C0265965, MONDO:0015780.

Allele frequency attached by ClinVar (database versions not stated): gnomAD exomes below 0.00001 and 0.00001; TOPMed below 0.00001; ExAC 0.00001.
gnomAD v4.1: 5 of 1,614,110 alleles (0.00031%); highest among the groups gnomAD compares: Admixed American, 0.0083%; no homozygotes.

Submission:

Labcorp Genetics (formerly Invitae), Labcorp
Classification: Uncertain significance for Dyskeratosis congenita. Last evaluated: 2025-04-18. Review status: criteria provided, single submitter. Criteria: Invitae Variant Classification Sherloc (09022015). Collection method: clinical testing. Allele origin: germline.
Comment: This sequence change replaces threonine, which is neutral and polar, with arginine, which is basic and polar, at codon 1066 of the CTC1 protein (p.Thr1066Arg). This variant is present in population databases (rs767106179, gnomAD 0.003%). This variant has not been reported in the literature in individuals affected with CTC1-related conditions. ClinVar contains an entry for this variant (Variation ID: 1512790). Invitae Evidence Modeling of protein sequence and biophysical properties (such as structural, functional, and spatial information, amino acid conservation, physicochemical variation, residue mobility, and thermodynamic stability) indicates that this missense variant is not expected to disrupt CTC1 protein function with a negative predictive value of 80%. In summary, the available evidence is currently insufficient to determine the role of this variant in disease. Therefore, it has been classified as a Variant of Uncertain Significance.